The following is an entry in ClinVar:

NM_001253697.2(ERBIN):c.1742C>G (p.Ala581Gly)

Gene: ERBIN (erbb2 interacting protein; plus strand). Cytogenetic location: 5q12.3.
Variant type: single nucleotide variant.
Coding change: c.1742C>G on transcript NM_001253697.2 (MANE Select); coding-DNA position 1742, C replaced by G.
Protein change: p.Ala581Gly; replaces alanine 581 with glycine.
Molecular consequence: missense variant.
Genome position (GRCh38, 1-based): chr5:66,046,492, C>G. VCF-style: chr5-66046492-C-G. GRCh37 (hg19) VCF-style: chr5-65342320-C-G.
Other names: c.1742C>G, p.Ala581Gly (NM_001006600.3, NM_001253698.2, NM_001253699.2 and 1 more transcripts); c.1730C>G, p.Ala577Gly (NM_001253701.2); short protein forms A577G, A581G.
Identifiers: ClinVar variation 4700776 (VCV004700776.1).

ClinVar aggregate classification (germline): Uncertain significance (1 of 4 stars; one submission).

gnomAD v4.1: 2 of 1,607,006 alleles (0.00012%); highest among the groups gnomAD compares: Admixed American, 0.0034%; no homozygotes.

Submission:

Labcorp Genetics (formerly Invitae), Labcorp
Classification: Uncertain significance. Last evaluated: 2025-02-09. Review status: criteria provided, single submitter. Criteria: Invitae Variant Classification Sherloc (09022015). Collection method: clinical testing. Allele origin: germline.
Comment: This sequence change replaces alanine, which is neutral and non-polar, with glycine, which is neutral and non-polar, at codon 581 of the ERBIN protein (p.Ala581Gly). This variant is present in population databases (no rsID available, gnomAD 0.003%). This variant has not been reported in the literature in individuals affected with ERBIN-related conditions. An algorithm developed to predict the effect of missense changes on protein structure and function (PolyPhen-2) suggests that this variant is likely to be tolerated. In summary, the available evidence is currently insufficient to determine the role of this variant in disease. Therefore, it has been classified as a Variant of Uncertain Significance.